The following is an entry in ClinVar:

NM_002693.3(POLG):c.2653A>G (p.Thr885Ala)

Gene: POLG (DNA polymerase gamma, catalytic subunit; minus strand). Cytogenetic location: 15q26.1.
Variant type: single nucleotide variant.
Coding change: c.2653A>G on transcript NM_002693.3 (MANE Select); coding-DNA position 2653, A replaced by G.
Protein change: p.Thr885Ala; replaces threonine 885 with alanine.
Molecular consequence: missense variant.
Genome position (GRCh38, 1-based): chr15:89,321,206, T>C on the plus strand (A>G on the coding strand, the complement: POLG is on the minus strand). VCF-style: chr15-89321206-T-C. GRCh37 (hg19) VCF-style: chr15-89864437-T-C.
Other names: c.2653A>G, p.Thr885Ala (NM_001126131.2); short protein forms T885A.
Identifiers: ClinVar variation 597264 (VCV000597264.10), dbSNP rs1312677626, ClinGen allele CA393753770.

ClinVar aggregate classification (germline): Uncertain significance. Review status: criteria provided, multiple submitters, no conflicts (2 of 4 stars). 2 submissions from 2 submitters: Uncertain significance (2). Last evaluated 2025-03-06.

Conditions:
Progressive sclerosing poliodystrophy (MTDPS4A). Also called: Alpers-Huttenlocher Syndrome (AHS); Alpers Syndrome; ALPERS PROGRESSIVE INFANTILE POLIODYSTROPHY; Mitochondrial DNA depletion syndrome 4A (Alpers type); ALPERS DIFFUSE DEGENERATION OF CEREBRAL GRAY MATTER WITH HEPATIC CIRRHOSIS; Alpers-Huttenlocher Syndrome. Identifiers: Orphanet 726, MedGen C0205710, MONDO:0008758, OMIM 203700.

gnomAD v4.1: 3 of 1,614,144 alleles (0.00019%); highest among the groups gnomAD compares: African/African-American, 0.0027%; no homozygotes.

Submissions (2):

Labcorp Genetics (formerly Invitae), Labcorp
Classification: Uncertain significance for Progressive sclerosing poliodystrophy. Last evaluated: 2025-03-06. Review status: criteria provided, single submitter. Criteria: Invitae Variant Classification Sherloc (09022015). Collection method: clinical testing. Allele origin: germline.
Comment: This sequence change replaces threonine, which is neutral and polar, with alanine, which is neutral and non-polar, at codon 885 of the POLG protein (p.Thr885Ala). This variant is not present in population databases (gnomAD no frequency). This variant has not been reported in the literature in individuals affected with POLG-related conditions. ClinVar contains an entry for this variant (Variation ID: 597264). Invitae Evidence Modeling of protein sequence and biophysical properties (such as structural, functional, and spatial information, amino acid conservation, physicochemical variation, residue mobility, and thermodynamic stability) indicates that this missense variant is not expected to disrupt POLG protein function with a negative predictive value of 95%. This variant disrupts the p.Thr885 amino acid residue in POLG. Other variant(s) that disrupt this residue have been observed in individuals with POLG-related conditions (PMID: 33486010, 37066920), which suggests that this may be a clinically significant amino acid residue. In summary, the available evidence is currently insufficient to determine the role of this variant in disease. Therefore, it has been classified as a Variant of Uncertain Significance.

Eurofins Ntd Llc (ga)
Classification: Uncertain significance. Last evaluated: 2018-05-23. Review status: criteria provided, single submitter. Criteria: EGL ClinVar v180209 classification definitions. Collection method: clinical testing. Allele origin: germline. Observed: 1 variant allele, 1 heterozygote.

Literature cited by the submitters: PubMed 33486010 (cited by Labcorp Genetics (formerly Invitae), Labcorp); PubMed 37066920 (cited by Labcorp Genetics (formerly Invitae), Labcorp).